The following is an entry in ClinVar:

ClinVar aggregate classification (germline): Benign/Likely benign. Review status: criteria provided, multiple submitters, no conflicts (2 of 4 stars). 6 submissions from 6 submitters: Benign (1); Likely benign (5). Last evaluated 2026-06-03.

Conditions:
Hereditary cancer-predisposing syndrome. Also called: Tumor predisposition; Hereditary Cancer Syndrome; Neoplastic Syndromes, Hereditary; Hereditary neoplastic syndrome. Identifiers: Orphanet 140162, MedGen C0027672, MeSH D009386, MONDO:0015356.
Piebaldism. Also called: Piebald skin depigmentation. Identifiers: Orphanet 2884, MedGen C0080024, MONDO:0008244, OMIM 172800, HP:0007544.
Gastrointestinal stromal tumor. Also called: Gastrointestinal stromal tumor, somatic; Gastrointestinal stroma tumor. Identifiers: Orphanet 44890, MedGen C0238198, MeSH D046152, MONDO:0011719, OMIM 606764, HP:0100723.
Germ cell tumor of testis (TGCT). Also called: GERM CELL TUMOR, SOMATIC; Testicular germ cell tumor. Identifiers: Orphanet 363504, MedGen C1336708, MONDO:0010108, OMIM 273300.
Cutaneous mastocytosis. Also called: MASTOCYTOSIS, MACULOPAPULAR CUTANEOUS. Identifiers: Orphanet 66646, MedGen C1136033, MONDO:0019023, OMIM 154800, HP:0200151.
Acute myeloid leukemia (AML). Also called: Acute myeloid leukemia, adult; AML adult; Acute non-lymphocytic leukemia; Acute granulocytic leukemia; Leukemia, acute myelogenous, somatic; Leukemia, acute myeloid, somatic. Identifiers: Orphanet 519, MedGen C0023467, MeSH D015470, MONDO:0018874, OMIM 601626, HP:0004808. Disease mechanism: Constitutively activated FLT3.
KIT-related disorder. Also called: KIT-related condition.

Allele frequency attached by ClinVar (database versions not stated): gnomAD 0.00004; TOPMed 0.00010; ESP Exome Variant Server 0.00031.
gnomAD v4.1: 175 of 1,613,520 alleles (0.011%); highest among the groups gnomAD compares: Non-Finnish European, 0.014%; no homozygotes.

Submissions (6):

Myriad Genetics, Inc.
Classification: Benign for Gastrointestinal stromal tumor. Last evaluated: 2026-06-03. Review status: criteria provided, single submitter. Criteria: Myriad Autosomal Dominant, Autosomal Recessive and X-Linked Classification Criteria (2023). Collection method: clinical testing. Allele origin: unknown.
Comment: This variant is considered benign. This variant is a silent/synonymous amino acid change and it is not expected to impact splicing.

PreventionGenetics, part of Exact Sciences
Classification: Likely benign for KIT-related condition. Last evaluated: 2026-05-21. Review status: criteria provided, single submitter. Criteria: ACMG Guidelines, 2015. Collection method: clinical testing. Allele origin: germline.
Comment: This variant is classified as likely benign based on ACMG/AMP sequence variant interpretation guidelines (Richards et al. 2015 PMID: 25741868, with internal and published modifications).

Labcorp Genetics (formerly Invitae), Labcorp
Classification: Likely benign for Gastrointestinal stromal tumor. Last evaluated: 2026-01-31. Review status: criteria provided, single submitter. Criteria: Invitae Variant Classification Sherloc (09022015). Collection method: clinical testing. Allele origin: germline.

CeGaT Center for Human Genetics Tuebingen
Classification: Likely benign. Last evaluated: 2024-04-01. Review status: criteria provided, single submitter. Criteria: CeGaT Center For Human Genetics Tuebingen Variant Classification Criteria Version 2. Collection method: clinical testing. Allele origin: germline. Affected: yes. Observed: 1 variant allele.
Comment: KIT: BP4, BP7

Fulgent Genetics
Classification: Likely benign for Cutaneous mastocytosis; Piebaldism; Germ cell tumor of testis; Acute myeloid leukemia; Gastrointestinal stromal tumor. Last evaluated: 2021-11-24. Review status: criteria provided, single submitter. Criteria: ACMG Guidelines, 2015. Collection method: clinical testing. Allele origin: unknown.

Ambry Genetics
Classification: Likely benign for Hereditary cancer-predisposing syndrome. Last evaluated: 2020-03-30. Review status: criteria provided, single submitter. Criteria: Ambry Variant Classification Scheme 2023. Collection method: clinical testing. Allele origin: germline.

NM_000222.3(KIT):c.840G>C (p.Ala280=)

Gene: KIT (KIT proto-oncogene, receptor tyrosine kinase; plus strand). Cytogenetic location: 4q12.
Variant type: single nucleotide variant.
Coding change: c.840G>C on transcript NM_000222.3 (MANE Select); coding-DNA position 840, G replaced by C.
Protein change: p.Ala280=; no amino-acid change (alanine 280 retained).
Molecular consequence: synonymous variant.
Genome position (GRCh38, 1-based): chr4:54,703,807, G>C. VCF-style: chr4-54703807-G-C. GRCh37 (hg19) VCF-style: chr4-55569973-G-C.
Other names: c.840G>C, p.Ala280= (NM_001093772.2, NM_001385285.1, NM_001385286.1); c.843G>C, p.Ala281= (NM_001385284.1, NM_001385288.1, NM_001385290.1 and 1 more transcripts).
Identifiers: ClinVar variation 237283 (VCV000237283.36), dbSNP rs142772432, ClinGen allele CA2923326.